The following is an entry in ClinVar:

NM_001377299.1(NDUFS2):c.1354+37A>G

Gene: NDUFS2 (NADH:ubiquinone oxidoreductase core subunit S2; plus strand). Cytogenetic location: 1q23.3.
Variant type: single nucleotide variant.
Coding change: c.1354+37A>G on transcript NM_001377299.1 (MANE Select); 37 bases into the intron after coding-DNA position 1354, A replaced by G.
Molecular consequence: intron variant. On other transcripts: 3 prime UTR variant (3), non-coding transcript variant (1).
Genome position (GRCh38, 1-based): chr1:161,213,958, A>G. VCF-style: chr1-161213958-A-G. GRCh37 (hg19) VCF-style: chr1-161183748-A-G.
Other names: c.*17A>G (NM_001166159.2, NM_001377300.1, NM_001377301.1); c.1354+37A>G (NM_001377298.1, NM_004550.5); c.*5+12A>G (NM_001377302.1).
Identifiers: ClinVar variation 516363 (VCV000516363.1), dbSNP rs376119625, ClinGen allele CA1208860.

ClinVar aggregate classification (germline): Likely benign (1 of 4 stars; one submission).

Allele frequency attached by ClinVar (database versions not stated): ExAC 0.00002; gnomAD exomes 0.00002 and 0.00003; TOPMed 0.00002; gnomAD 0.00004; ESP Exome Variant Server 0.00008.
gnomAD v4.1: 55 of 1,614,018 alleles (0.0034%); highest among the groups gnomAD compares: Non-Finnish European, 0.0043%; no homozygotes.

Submission:

GeneDx
Classification: Likely benign. Last evaluated: 2017-04-07. Review status: criteria provided, single submitter. Criteria: GeneDx Variant Classification (06012015). Collection method: clinical testing. Allele origin: germline. Affected: yes.
Comment: This variant is considered likely benign or benign based on one or more of the following criteria: it is a conservative change, it occurs at a poorly conserved position in the protein, it is predicted to be benign by multiple in silico algorithms, and/or has population frequency not consistent with disease.